The following is an entry in ClinVar:

ClinVar aggregate classification (germline): Likely benign (1 of 4 stars; one submission).

Allele frequency attached by ClinVar (database versions not stated): gnomAD exomes below 0.00001.
gnomAD v4.1: 5 of 1,614,198 alleles (0.00031%); highest among the groups gnomAD compares: Middle Eastern, 0.066%; no homozygotes.

Submission:

CeGaT Center for Human Genetics Tuebingen
Classification: Likely benign. Last evaluated: 2022-06-01. Review status: criteria provided, single submitter. Criteria: CeGaT Center For Human Genetics Tuebingen Variant Classification Criteria Version 2. Collection method: clinical testing. Allele origin: germline. Affected: yes. Observed: 1 variant allele.
Comment: TRIO: PM2:Supporting, BP4, BP7

NM_007118.4(TRIO):c.7806T>C (p.Ala2602=)

Gene: TRIO (trio Rho guanine nucleotide exchange factor; plus strand). Cytogenetic location: 5p15.2.
Variant type: single nucleotide variant.
Coding change: c.7806T>C on transcript NM_007118.4 (MANE Select); coding-DNA position 7806, T replaced by C.
Protein change: p.Ala2602=; no amino-acid change (alanine 2602 retained).
Molecular consequence: synonymous variant. On other transcripts: non-coding transcript variant (1).
Genome position (GRCh38, 1-based): chr5:14,492,740, T>C. VCF-style: chr5-14492740-T-C. GRCh37 (hg19) VCF-style: chr5-14492849-T-C.
Identifiers: ClinVar variation 2655353 (VCV002655353.24), dbSNP rs1756580510, ClinGen allele CA443537860.